The following is an entry in ClinVar:

ClinVar aggregate classification (germline): Uncertain significance (1 of 4 stars; one submission).

Conditions:
Hereditary pancreatitis (PCTT). Also called: Hereditary chronic pancreatitis; PRSS1-Related Hereditary Pancreatitis. Identifiers: Orphanet 676, MedGen C0238339, MONDO:0008185, OMIM 167800.

Submission:

Ambry Genetics
Classification: Uncertain significance for Hereditary pancreatitis. Last evaluated: 2026-07-22. Review status: criteria provided, single submitter. Criteria: Ambry Variant Classification Scheme 2023. Collection method: clinical testing. Allele origin: germline.
Comment: The c.529_530delGGinsTT variant (also known as p.G177L), located in coding exon 4 of the PRSS1 gene, results from an in-frame deletion of GG and insertion of TT at nucleotide positions 529 to 530. This results in the substitution of the glycine residue for a leucine residue at codon 177, an amino acid with dissimilar properties. This amino acid position is highly conserved in available vertebrate species. In addition, this variant is predicted to be deleterious by in silico analysis (Choi Y et al. PLoS ONE. 2012; 7(10):e46688). Based on the available evidence, the clinical significance of this variant remains unclear.

NM_002769.5(PRSS1):c.529_530delinsTT (p.Gly177Leu)

Genes: PRSS1 (serine protease 1; plus strand), TRB (T cell receptor beta locus; plus strand). Cytogenetic location: 7q34.
Variant type: Indel.
Coding change: c.529_530delinsTT on transcript NM_002769.5 (MANE Select); coding-DNA positions 529 to 530, GG replaced by TT.
Protein change: p.Gly177Leu; replaces glycine 177 with leucine.
Molecular consequence: missense variant. On other transcripts: non-coding transcript variant (5).
Genome position (GRCh38, 1-based): chr7:142,752,505-142,752,506, GG replaced by TT. VCF-style: chr7-142752505-GG-TT. GRCh37 (hg19) VCF-style: chr7-142460356-GG-TT.
Other names: short protein forms G177L.
Identifiers: ClinVar variation 5027396 (VCV005027396.1).
Genomic context (GRCh38, chr7:142,752,505, plus strand): 5'-GAGCTGCAGTGCCTGGATGCTCCTGTGCTGAGCCAGGCTAAGTGTGAAGCCTCCTACCCT[GG>TT]AAAGATTACCAGCAACATGTTCTGTGTGGGCTTCCTTGAGGGAGGCAAGGATTCATGTCA-3'
Protein context (NP_002760.1, residues 167-187): SQAKCEASYP[Gly177Leu]KITSNMFCVG